The following is an entry in ClinVar:

NM_000038.6(APC):c.6958C>T (p.Pro2320Ser)

Gene: APC (APC regulator of Wnt signaling pathway; plus strand). Cytogenetic location: 5q22.2.
Variant type: single nucleotide variant.
Coding change: c.6958C>T on transcript NM_000038.6 (MANE Select); coding-DNA position 6958, C replaced by T.
Protein change: p.Pro2320Ser; replaces proline 2320 with serine.
Molecular consequence: missense variant.
Genome position (GRCh38, 1-based): chr5:112,842,552, C>T. VCF-style: chr5-112842552-C-T. GRCh37 (hg19) VCF-style: chr5-112178249-C-T.
Other names: c.6958C>T, p.Pro2320Ser (NM_001127510.3, NM_001354895.2); c.6904C>T, p.Pro2302Ser (NM_001127511.3); c.7012C>T, p.Pro2338Ser (NM_001354896.2); c.6988C>T, p.Pro2330Ser (NM_001354897.2); c.6883C>T, p.Pro2295Ser (NM_001354898.2); c.6874C>T, p.Pro2292Ser (NM_001354899.2); c.6835C>T, p.Pro2279Ser (NM_001354900.2); c.6781C>T, p.Pro2261Ser (NM_001354901.2); and 5 more; short protein forms P2302S, P2320S, P2194S, P2229S, P2261S, P2292S, P2330S, P2037S.
Identifiers: ClinVar variation 133521 (VCV000133521.24), dbSNP rs587778036, ClinGen allele CA012700.

ClinVar aggregate classification (germline): Conflicting classifications of pathogenicity. Review status: criteria provided, conflicting classifications (1 of 4 stars). 6 submissions from 6 submitters: Uncertain significance (4); Likely benign (1). 1 of the submissions does not count toward it. Last evaluated 2026-05-11.

Conditions:
Hereditary cancer-predisposing syndrome. Also called: Tumor predisposition; Hereditary neoplastic syndrome; Neoplastic Syndromes, Hereditary; Hereditary Cancer Syndrome. Identifiers: Orphanet 140162, MedGen C0027672, MeSH D009386, MONDO:0015356.
Familial adenomatous polyposis 1 (FAP1). Also called: FAMILIAL ADENOMATOUS POLYPOSIS 1, ATTENUATED; POLYPOSIS, ADENOMATOUS INTESTINAL. Identifiers: MedGen C2713442, MONDO:0021056, OMIM 175100. Disease mechanism: loss of function.

Allele frequency attached by ClinVar (database versions not stated): gnomAD exomes below 0.00001; ExAC 0.00001; gnomAD 0.00001 and 0.00002.
gnomAD v4.1: 8 of 1,613,830 alleles (0.0005%); highest among the groups gnomAD compares: Middle Eastern, 0.016%; no homozygotes.

Submissions (6):

Ambry Genetics
Classification: Likely benign for Hereditary cancer-predisposing syndrome. Last evaluated: 2026-05-11. Review status: criteria provided, single submitter. Criteria: Ambry Variant Classification Scheme 2023. Collection method: clinical testing. Allele origin: germline.

Labcorp Genetics (formerly Invitae), Labcorp
Classification: Uncertain significance for Familial adenomatous polyposis 1. Last evaluated: 2025-07-21. Review status: criteria provided, single submitter. Criteria: Invitae Variant Classification Sherloc (09022015). Collection method: clinical testing. Allele origin: germline.
Comment: This sequence change replaces proline, which is neutral and non-polar, with serine, which is neutral and polar, at codon 2320 of the APC protein (p.Pro2320Ser). This variant is present in population databases (rs587778036, gnomAD 0.003%). This missense change has been observed in individual(s) with gastric cancer, breast cancer, and/or ovarian cancer (PMID: 28528518, 30306255, 33525650). ClinVar contains an entry for this variant (Variation ID: 133521). Invitae Evidence Modeling of protein sequence and biophysical properties (such as structural, functional, and spatial information, amino acid conservation, physicochemical variation, residue mobility, and thermodynamic stability) indicates that this missense variant is not expected to disrupt APC protein function with a negative predictive value of 95%. In summary, the available evidence is currently insufficient to determine the role of this variant in disease. Therefore, it has been classified as a Variant of Uncertain Significance.

Color Diagnostics, LLC DBA Color Health
Classification: Uncertain significance for Hereditary cancer-predisposing syndrome. Last evaluated: 2023-07-06. Review status: criteria provided, single submitter. Criteria: ACMG Guidelines, 2015. Collection method: clinical testing. Allele origin: germline.
Comment: This missense variant replaces proline with serine at codon 2320 of the APC protein. Computational prediction suggests that this variant may not impact protein structure and function (internally defined REVEL score threshold <= 0.5, PMID: 27666373). To our knowledge, functional studies have not been reported for this variant. This variant has been reported in individuals with a personal or family history of breast and ovarian cancer (PMID: 28528518, 30306255), and in healthy individuals (PMID: 24728327). This variant has been identified in 1/250878 chromosomes in the general population by the Genome Aggregation Database (gnomAD). The available evidence is insufficient to determine the role of this variant in disease conclusively. Therefore, this variant is classified as a Variant of Uncertain Significance.

Blueprint Genetics
Classification: Uncertain significance. Last evaluated: 2023-06-22. Review status: criteria provided, single submitter. Criteria: ACMG Guidelines, 2015. Collection method: clinical testing. Allele origin: germline.

Women's Health and Genetics/Laboratory Corporation of America, LabCorp
Classification: Uncertain significance. Last evaluated: 2019-11-01. Review status: criteria provided, single submitter. Criteria: LabCorp Variant Classification Summary - May 2015. Collection method: clinical testing. Allele origin: germline.
Comment: Variant summary: APC c.6958C>T (p.Pro2320Ser) results in a non-conservative amino acid change located in the Adenomatous polyposis coli protein basic domain (IPR009234) of the encoded protein sequence. Four of five in-silico tools predict a damaging effect of the variant on protein function. The variant allele was found at a frequency of 4e-06 in 250878 control chromosomes (gnomAD). The available data on variant occurrences in the general population are insufficient to allow any conclusion about variant significance. c.6958C>T has been reported in the literature in individuals with a personal- and/or family history of breast and ovarian cancer (Cock-Rada_2017, Bonache_2018). These reports do not provide unequivocal conclusions about association of the variant with Familial Adenomatous Polyposis. To our knowledge, no experimental evidence demonstrating an impact on protein function has been reported. Three clinical diagnostic laboratories have submitted clinical-significance assessments for this variant to ClinVar after 2014 without evidence for independent evaluation. All laboratories classified the variant as uncertain significance. Based on the evidence outlined above, the variant was classified as uncertain significance.

ITMI
No classification provided. Condition: AllHighlyPenetrant. Last evaluated: 2013-09-19. Review status: no classification provided. Collection method: reference population. Allele origin: germline. Not counted in ClinVar's aggregate classification.
Comment: Please see associated publication for description of ethnicities

Literature cited by the submitters: PubMed 24728327 (cited by 4 submitters); PubMed 28528518 (cited by 4 submitters); PubMed 30306255 (cited by 3 submitters); PubMed 33525650 (cited by Labcorp Genetics (formerly Invitae), Labcorp).